The following is an entry in ClinVar:

NM_015040.4(PIKFYVE):c.853_854del (p.Leu285fs)

Gene: PIKFYVE (phosphoinositide kinase, FYVE-type zinc finger containing; plus strand). Cytogenetic location: 2q34.
Variant type: Microsatellite.
Coding change: c.853_854del on transcript NM_015040.4 (MANE Select); coding-DNA positions 853 to 854, 2 bases deleted (CT; older notation c.853_854delCT).
Protein change: p.Leu285fs; shifts the reading frame from leucine 285.
Molecular consequence: frameshift variant.
Genome position (GRCh38, 1-based): chr2:208,288,760-208,288,761, CT deleted; deleting any 2 consecutive bases within chr2:208,288,758-208,288,761 gives the same sequence; the c. name uses the placement nearest the transcript's 3' end. VCF-style (leftmost placement, unchanged base first): chr2-208288757-CCT-C. GRCh37 (hg19) VCF-style: chr2-209153481-CCT-C.
Other names: c.853_854del, p.Leu285fs (NM_001178000.2); c.562_563del, p.Leu188fs (NM_152671.4); short protein forms L285fs, L188fs.
Identifiers: ClinVar variation 938366 (VCV000938366.7), dbSNP rs1003590403, ClinGen allele CA64561956.

ClinVar aggregate classification (germline): Pathogenic (1 of 4 stars; one submission).

Submission:

Labcorp Genetics (formerly Invitae), Labcorp
Classification: Pathogenic. Last evaluated: 2019-06-21. Review status: criteria provided, single submitter. Criteria: Invitae Variant Classification Sherloc (09022015). Collection method: clinical testing. Allele origin: germline.
Comment: This sequence change creates a premature translational stop signal (p.Leu285Phefs*19) in the PIKFYVE gene. It is expected to result in an absent or disrupted protein product. For these reasons, this variant has been classified as Pathogenic. Loss-of-function variants in PIKFYVE are known to be pathogenic (PMID: 15902656, 23288988, 26396486). This variant has not been reported in the literature in individuals with PIKFYVE-related conditions. This variant is not present in population databases (ExAC no frequency).

Literature cited by the submitters: PubMed 15902656; PubMed 23288988; PubMed 26396486.